The following is an entry in ClinVar:

ClinVar aggregate classification (germline): Uncertain significance. Review status: criteria provided, multiple submitters, no conflicts (2 of 4 stars). 3 submissions from 3 submitters: Uncertain significance (2). 1 of the submissions does not count toward it. Last evaluated 2024-09-26.

Conditions:
Citrullinemia. Identifiers: Orphanet 187, MedGen C0175683, MONDO:0015991.
Inborn genetic diseases. Identifiers: MedGen C0950123, MeSH D030342.

Allele frequency attached by ClinVar (database versions not stated): TOPMed 0.00002; gnomAD 0.00003 and 0.00004; gnomAD exomes 0.00004 and 0.00005; ExAC 0.00007; ESP Exome Variant Server 0.00008.
gnomAD v4.1: 79 of 1,614,076 alleles (0.0049%); highest among the groups gnomAD compares: Non-Finnish European, 0.0064%; 1 homozygote.

Submissions (3):

Ambry Genetics
Classification: Uncertain significance for Inborn genetic diseases. Last evaluated: 2024-09-26. Review status: criteria provided, single submitter. Criteria: Ambry Variant Classification Scheme 2023. Collection method: clinical testing. Allele origin: germline.

Labcorp Genetics (formerly Invitae), Labcorp
Classification: Uncertain significance for Citrullinemia. Last evaluated: 2022-07-05. Review status: criteria provided, single submitter. Criteria: Invitae Variant Classification Sherloc (09022015). Collection method: clinical testing. Allele origin: germline.
Comment: This sequence change replaces isoleucine, which is neutral and non-polar, with valine, which is neutral and non-polar, at codon 266 of the ASS1 protein (p.Ile266Val). This variant is present in population databases (rs377221825, gnomAD 0.01%). This variant has not been reported in the literature in individuals affected with ASS1-related conditions. ClinVar contains an entry for this variant (Variation ID: 857737). Algorithms developed to predict the effect of missense changes on protein structure and function are either unavailable or do not agree on the potential impact of this missense change (SIFT: "Deleterious"; PolyPhen-2: "Benign"; Align-GVGD: "Class C0"). In summary, the available evidence is currently insufficient to determine the role of this variant in disease. Therefore, it has been classified as a Variant of Uncertain Significance.

Natera, Inc.
Classification: Uncertain significance for Citrullinemia. Last evaluated: 2020-09-16. Review status: no assertion criteria provided. Collection method: clinical testing. Allele origin: germline. Not counted in ClinVar's aggregate classification.

NM_054012.4(ASS1):c.796A>G (p.Ile266Val)

Gene: ASS1 (argininosuccinate synthase 1; plus strand). Cytogenetic location: 9q34.11.
Variant type: single nucleotide variant.
Coding change: c.796A>G on transcript NM_054012.4 (MANE Select); coding-DNA position 796, A replaced by G.
Protein change: p.Ile266Val; replaces isoleucine 266 with valine.
Molecular consequence: missense variant.
Genome position (GRCh38, 1-based): chr9:130,480,407, A>G. VCF-style: chr9-130480407-A-G. GRCh37 (hg19) VCF-style: chr9-133355794-A-G.
Other names: c.796A>G, p.Ile266Val (NM_000050.4); short protein forms I266V.
Identifiers: ClinVar variation 857737 (VCV000857737.43), dbSNP rs377221825, ClinGen allele CA5283532.